The following is an entry in ClinVar:

ClinVar aggregate classification (germline): Likely pathogenic. Review status: criteria provided, multiple submitters, no conflicts (2 of 4 stars). 2 submissions from 2 submitters: Likely pathogenic (2). Last evaluated 2025-07-10.

Conditions:
Polycystic kidney disease, adult type (PKD1). Also called: Polycystic Kidney Disease 1, Autosomal Dominant; Polycystic kidney disease 1; Polycystic kidney disease 1, severe; Polycystic Kidney, Autosomal Dominant; POLYCYSTIC KIDNEY DISEASE 1 WITH OR WITHOUT POLYCYSTIC LIVER DISEASE; POLYCYSTIC KIDNEY DISEASE, ADULT, TYPE I. Identifiers: MedGen C3149841, MONDO:0008263, OMIM 173900.

Submissions (2):

GeneDx
Classification: Likely pathogenic. Last evaluated: 2025-07-10. Review status: criteria provided, single submitter. Criteria: GeneDx Variant Classification Process June 2021. Collection method: clinical testing. Allele origin: germline. Affected: yes.
Comment: In-frame deletion of one amino acid in a non-repeat region; Not observed at significant frequency in large population cohorts (gnomAD); In silico analysis supports a deleterious effect on protein structure/function; This variant is associated with the following publications: (PMID: 27499327, 29338003, 36833371)

Victorian Clinical Genetics Services, Murdoch Childrens Research Institute
Classification: Likely pathogenic for Polycystic kidney disease, adult type. Last evaluated: 2020-05-26. Review status: criteria provided, single submitter. Criteria: ACMG Guidelines, 2015. Collection method: clinical testing. Allele origin: germline. Inheritance: Autosomal dominant inheritance. Affected: yes.
Comment: Based on the classification scheme VCGS_Germline_v1.1.1, this variant is classified as Likely pathogenic. Following criteria are met: 0102 - Loss-of-function is a known mechanism of disease for this gene. (N) 0107 - This gene is known to be associated with autosomal dominant disease. Predominantly caused by monoallelic variants, with rare reports of bi-allelic variants causing disease. (N) 0213 - In-frame insertion/deletion in a non-repetitive region that has high conservation (exon 27). (P) 0251 - Variant is heterozygous. (N) 0301 - Variant is absent from gnomAD. (P) 0309 - An amino acid change to arginine at the same position has been observed in gnomAD (1 heterozygote, 0 homozygotes). (N) 0600 - Variant is located in an annotated domain or motif (PLAT/LH2 domain; PDB). (N) 0704 - Comparable variant has low previous evidence for pathogenicity. A missense variant in the same codon resulting in a change to a glutamic acid has also been reported in a patient with autosomal dominant polycystic kidney disease (PMID: 22383692). (P) 0803 - Low previous evidence of pathogenicity in unrelated individuals. This variant has been previously reported in a patient with autosomal dominant polycystic kidney disease (PMID: 27499327, 29338003; NB: unclear if these references are reporting the same patient or two different patients). (P) 1007 - No published functional evidence has been identified for this variant. (N) 1102 - Strong phenotype match. (P) 1208 - Inheritance information for this variant is not currently available. (N) Legend: (P) - Pathogenic, (N) - Neutral, (B) - Benign

Literature cited by the submitters: PubMed 22383692 (cited by Victorian Clinical Genetics Services, Murdoch Childrens Research Institute); PubMed 27499327 (cited by Victorian Clinical Genetics Services, Murdoch Childrens Research Institute); PubMed 29338003 (cited by Victorian Clinical Genetics Services, Murdoch Childrens Research Institute).

NM_001009944.3(PKD1):c.9559_9561del (p.Asp3187del)

Gene: PKD1 (polycystin 1, transient receptor potential channel interacting; minus strand). Cytogenetic location: 16p13.3.
Variant type: Deletion.
Coding change: c.9559_9561del on transcript NM_001009944.3 (MANE Select); coding-DNA positions 9559 to 9561, 3 bases deleted (GAC; older notation c.9559_9561delGAC).
Protein change: p.Asp3187del; deletes aspartic acid 3187.
Molecular consequence: inframe deletion. On other transcripts: inframe indel (2).
Genome position (GRCh38, 1-based): chr16:2,100,403-2,100,405, GTC deleted on the plus strand (GAC on the coding strand, the reverse complement: PKD1 is on the minus strand); deleting any 3 consecutive bases within chr16:2,100,403-2,100,407 gives the same sequence; the c. name uses the placement nearest the transcript's 3' end. VCF-style (leftmost placement, unchanged base first): chr16-2100402-TGTC-T. GRCh37 (hg19) VCF-style: chr16-2150403-TGTC-T.
Other names: c.9559_9561delGAC (NM_001009944.2); c.9559_9561del, p.Asp3187del (NM_000296.4); c.9557_9559delACG, p.Asp3187del (NM_001009944.2); c.9559_9561del (NM_001009944.2); short protein forms D3187del.
Identifiers: ClinVar variation 1805369 (VCV001805369.2), dbSNP rs2544717535, ClinGen allele CA923726114.
Genomic context (GRCh38, chr16:2,100,402, plus strand): 5'-AGGGCGCCCCAATGCGGGGGCAGAGGGGCAGAGCTTGGCAGGGTCCGCACAAACCTTTGT[TGTC>T]GTGCCACACTCGGATCTTCCACACGCTACCCAGGCTGTGCGGGGTGGCGATCCGGAAGAT-3'